The following is an entry in ClinVar:

ClinVar aggregate classification (germline): Likely benign (1 of 4 stars; one submission).

Submission:

Mayo Clinic Laboratories, Mayo Clinic
Classification: Likely benign. Last evaluated: 2025-04-02. Review status: criteria provided, single submitter. Criteria: ACMG Guidelines, 2015. Collection method: clinical testing. Allele origin: germline. Observed: 1 variant allele.
Comment: BP4, BP7

NM_000088.4(COL1A1):c.1938T>C (p.Pro646=)

Gene: COL1A1 (collagen type I alpha 1 chain; minus strand). Cytogenetic location: 17q21.33.
Variant type: single nucleotide variant.
Coding change: c.1938T>C on transcript NM_000088.4 (MANE Select); coding-DNA position 1938, T replaced by C.
Protein change: p.Pro646=; no amino-acid change (proline 646 retained).
Molecular consequence: synonymous variant.
Genome position (GRCh38, 1-based): chr17:50,192,520, A>G on the plus strand (T>C on the coding strand, the complement: COL1A1 is on the minus strand). VCF-style: chr17-50192520-A-G. GRCh37 (hg19) VCF-style: chr17-48269881-A-G.
Other names: p.Pro646=.
Identifiers: ClinVar variation 4684233 (VCV004684233.1).
Genomic context (GRCh38, chr17:50,192,520, plus strand): 5'-GCTGCTCCCTCTTACCTGTTCACCAGGTTTGCCTGCTTCACCTGGAGGACCAGCAGGACC[A>G]GGGAGACCCTGTAGGTGGGAAATGGGGGAAGAAGGGAGGGAAGGTTTAGAATCTGGAAGA-3'
Protein context (NP_000079.2, residues 636-656): PAGSPGFQGL[Pro646=]GPAGPPGEAG